The following is an entry in ClinVar:

NM_030962.4(SBF2):c.4664T>G (p.Phe1555Cys)

Genes: SBF2 (SET binding factor 2; minus strand), SBF2-AS1 (SBF2 antisense RNA 1; plus strand), LOC105369149 (uncharacterized LOC105369149; plus strand). Cytogenetic location: 11p15.4.
Variant type: single nucleotide variant.
Coding change: c.4664T>G on transcript NM_030962.4 (MANE Select); coding-DNA position 4664, T replaced by G.
Protein change: p.Phe1555Cys; replaces phenylalanine 1555 with cysteine.
Molecular consequence: missense variant.
Genome position (GRCh38, 1-based): chr11:9,790,590, A>C on the plus strand (T>G on the coding strand, the complement: SBF2 is on the minus strand). VCF-style: chr11-9790590-A-C. GRCh37 (hg19) VCF-style: chr11-9812137-A-C.
Other names: c.4760T>G, p.Phe1587Cys (NM_001386339.1); c.4535T>G, p.Phe1512Cys (NM_001386342.1); short protein forms F1555C, F1587C, F1512C.
Identifiers: ClinVar variation 1035911 (VCV001035911.8), dbSNP rs1852677610, ClinGen allele CA379635088.

ClinVar aggregate classification (germline): Uncertain significance (1 of 4 stars; one submission).

Conditions:
Charcot-Marie-Tooth disease type 4. Also called: Charcot-Marie-Tooth disease, type IV; Charcot-Marie-Tooth, Type 4. Identifiers: Orphanet 64749, MedGen C4082197, MONDO:0018995.

Allele frequency attached by ClinVar (database versions not stated): gnomAD exomes below 0.00001.
gnomAD v4.1: 6 of 1,585,842 alleles (0.00038%); highest among the groups gnomAD compares: Non-Finnish European, 0.00052%; no homozygotes.

Submission:

Labcorp Genetics (formerly Invitae), Labcorp
Classification: Uncertain significance for Charcot-Marie-Tooth disease type 4. Last evaluated: 2022-12-06. Review status: criteria provided, single submitter. Criteria: Invitae Variant Classification Sherloc (09022015). Collection method: clinical testing. Allele origin: germline.
Comment: In summary, the available evidence is currently insufficient to determine the role of this variant in disease. Therefore, it has been classified as a Variant of Uncertain Significance. Advanced modeling of protein sequence and biophysical properties (such as structural, functional, and spatial information, amino acid conservation, physicochemical variation, residue mobility, and thermodynamic stability) performed at Invitae indicates that this missense variant is expected to disrupt SBF2 protein function. ClinVar contains an entry for this variant (Variation ID: 1035911). This variant has not been reported in the literature in individuals affected with SBF2-related conditions. This variant is not present in population databases (gnomAD no frequency). This sequence change replaces phenylalanine, which is neutral and non-polar, with cysteine, which is neutral and slightly polar, at codon 1555 of the SBF2 protein (p.Phe1555Cys).